The following is an entry in ClinVar:

NM_001190274.2(FBXO11):c.137C>T (p.Pro46Leu)

Genes: FBXO11 (F-box protein 11; minus strand), LOC100506235 (uncharacterized LOC100506235; plus strand). Cytogenetic location: 2p16.3.
Variant type: single nucleotide variant.
Coding change: c.137C>T on transcript NM_001190274.2 (MANE Select); coding-DNA position 137, C replaced by T.
Protein change: p.Pro46Leu; replaces proline 46 with leucine.
Molecular consequence: missense variant.
Genome position (GRCh38, 1-based): chr2:47,905,584, G>A on the plus strand (C>T on the coding strand, the complement: FBXO11 is on the minus strand). VCF-style: chr2-47905584-G-A. GRCh37 (hg19) VCF-style: chr2-48132723-G-A.
Other names: short protein forms P46L.
Identifiers: ClinVar variation 1390781 (VCV001390781.6), dbSNP rs1452420405, ClinGen allele CA346812658.

ClinVar aggregate classification (germline): Uncertain significance (1 of 4 stars; one submission).

Allele frequency attached by ClinVar (database versions not stated): gnomAD 0.00001; gnomAD exomes 0.00001.
gnomAD v4.1: 10 of 1,261,180 alleles (0.00079%); highest among the groups gnomAD compares: Admixed American, 0.0041%; no homozygotes.

Submission:

Labcorp Genetics (formerly Invitae), Labcorp
Classification: Uncertain significance. Last evaluated: 2022-11-11. Review status: criteria provided, single submitter. Criteria: Invitae Variant Classification Sherloc (09022015). Collection method: clinical testing. Allele origin: germline.
Comment: Algorithms developed to predict the effect of missense changes on protein structure and function are either unavailable or do not agree on the potential impact of this missense change (SIFT: "Tolerated"; PolyPhen-2: "Not Available"; Align-GVGD: "Class C0"). In summary, the available evidence is currently insufficient to determine the role of this variant in disease. Therefore, it has been classified as a Variant of Uncertain Significance. This sequence change replaces proline, which is neutral and non-polar, with leucine, which is neutral and non-polar, at codon 46 of the FBXO11 protein (p.Pro46Leu). The frequency data for this variant in the population databases is considered unreliable, as metrics indicate poor data quality at this position in the gnomAD database. This variant has not been reported in the literature in individuals affected with FBXO11-related conditions. ClinVar contains an entry for this variant (Variation ID: 1390781).